The following is an entry in ClinVar:

NM_006231.4(POLE):c.1662C>T (p.Ser554=)

Gene: POLE (DNA polymerase epsilon, catalytic subunit; minus strand). Cytogenetic location: 12q24.33.
Variant type: single nucleotide variant.
Coding change: c.1662C>T on transcript NM_006231.4 (MANE Select); coding-DNA position 1662, C replaced by T.
Protein change: p.Ser554=; no amino-acid change (serine 554 retained).
Molecular consequence: synonymous variant.
Genome position (GRCh38, 1-based): chr12:132,672,651, G>A on the plus strand (C>T on the coding strand, the complement: POLE is on the minus strand). VCF-style: chr12-132672651-G-A. GRCh37 (hg19) VCF-style: chr12-133249237-G-A.
Other names: p.Ser554=.
Identifiers: ClinVar variation 240401 (VCV000240401.19), dbSNP rs752219944, ClinGen allele CA6893892.

ClinVar aggregate classification (germline): Likely benign. Review status: criteria provided, multiple submitters, no conflicts (2 of 4 stars). 4 submissions from 4 submitters: Likely benign (4). Last evaluated 2026-01-26.

Conditions:
Hereditary cancer-predisposing syndrome. Also called: Tumor predisposition; Neoplastic Syndromes, Hereditary; Hereditary Cancer Syndrome; Hereditary neoplastic syndrome. Identifiers: Orphanet 140162, MedGen C0027672, MeSH D009386, MONDO:0015356.

Allele frequency attached by ClinVar (database versions not stated): gnomAD 0.00006; TOPMed 0.00006.
gnomAD v4.1: 17 of 1,613,954 alleles (0.0011%); highest among the groups gnomAD compares: African/African-American, 0.015%; no homozygotes.

Submissions (4):

Labcorp Genetics (formerly Invitae), Labcorp
Classification: Likely benign. Last evaluated: 2026-01-26. Review status: criteria provided, single submitter. Criteria: Invitae Variant Classification Sherloc (09022015). Collection method: clinical testing. Allele origin: germline.

Mayo Clinic Laboratories, Mayo Clinic
Classification: Likely benign. Last evaluated: 2025-03-21. Review status: criteria provided, single submitter. Criteria: ACMG Guidelines, 2015. Collection method: clinical testing. Allele origin: germline. Observed: 1 variant allele.
Comment: BP4, BP7

GeneDx
Classification: Likely benign. Last evaluated: 2019-01-04. Review status: criteria provided, single submitter. Criteria: GeneDx Variant Classification Process June 2021. Collection method: clinical testing. Allele origin: germline. Affected: yes.

Ambry Genetics
Classification: Likely benign for Hereditary cancer-predisposing syndrome. Last evaluated: 2016-09-21. Review status: criteria provided, single submitter. Criteria: Ambry Variant Classification Scheme 2023. Collection method: clinical testing. Allele origin: germline.